The following is an entry in ClinVar:

NM_000059.4(BRCA2):c.8085A>G (p.Ser2695=)

Gene: BRCA2 (BRCA2 DNA repair associated; plus strand). Cytogenetic location: 13q13.1.
Variant type: single nucleotide variant.
Coding change: c.8085A>G on transcript NM_000059.4 (MANE Select); coding-DNA position 8085, A replaced by G.
Protein change: p.Ser2695=; no amino-acid change (serine 2695 retained).
Molecular consequence: synonymous variant.
Genome position (GRCh38, 1-based): chr13:32,363,287, A>G. VCF-style: chr13-32363287-A-G. GRCh37 (hg19) VCF-style: chr13-32937424-A-G.
Other names: c.8085A>G (NM_000059.3).
Identifiers: ClinVar variation 1078845 (VCV001078845.11), dbSNP rs2137580600, ClinGen allele CA483439580.

ClinVar aggregate classification (germline): Likely benign. Review status: criteria provided, multiple submitters, no conflicts (2 of 4 stars). 3 submissions from 3 submitters: Likely benign (3). Last evaluated 2025-12-02.

Conditions:
Hereditary cancer-predisposing syndrome. Also called: Neoplastic Syndromes, Hereditary; Hereditary neoplastic syndrome; Tumor predisposition; Hereditary Cancer Syndrome. Identifiers: Orphanet 140162, MedGen C0027672, MeSH D009386, MONDO:0015356.
Hereditary breast ovarian cancer syndrome. Also called: Breast and ovarian cancer; Hereditary breast and ovarian cancer syndrome (HBOC); Hereditary breast and/or ovarian cancer syndrome; Hereditary breast and ovarian cancer; Hereditary breast and ovarian cancer syndrome; BRCA1- and BRCA2-Associated Hereditary Breast and Ovarian Cancer. Identifiers: Orphanet 145, MedGen C0677776, MeSH D061325, MONDO:0003582. Disease mechanism: loss of function.
Breast-ovarian cancer, familial, susceptibility to, 2 (BROVCA2). Also called: BRCA2 Hereditary Breast and Ovarian Cancer. Identifiers: Orphanet 145, MedGen C2675520, MONDO:0012933, OMIM 612555. Disease mechanism: loss of function.

Submissions (3):

Labcorp Genetics (formerly Invitae), Labcorp
Classification: Likely benign for Hereditary breast ovarian cancer syndrome. Last evaluated: 2025-12-02. Review status: criteria provided, single submitter. Criteria: Invitae Variant Classification Sherloc (09022015). Collection method: clinical testing. Allele origin: germline.

Ambry Genetics
Classification: Likely benign for Hereditary cancer-predisposing syndrome. Last evaluated: 2025-06-23. Review status: criteria provided, single submitter. Criteria: Ambry Variant Classification Scheme 2023. Collection method: clinical testing. Allele origin: germline.

All of Us Research Program, National Institutes of Health
Classification: Likely benign for Breast-ovarian cancer, familial, susceptibility to, 2. Last evaluated: 2023-06-08. Review status: criteria provided, single submitter. Criteria: ACMG Guidelines, 2015. Collection method: clinical testing. Allele origin: germline. Inheritance: Autosomal dominant inheritance. Observed: 1 variant allele, 1 heterozygote.
Comment: This study involves interpretation of variants in research participants for the purpose of population health screening. Participant phenotype was not available at the time of variant classification. Additional details can be found in publication PMID: 35346344, PMCID: PMC8962531